The following is an entry in ClinVar:

ClinVar aggregate classification (germline): Pathogenic. Review status: criteria provided, multiple submitters, no conflicts (2 of 4 stars). 2 submissions from 2 submitters: Pathogenic (2). Last evaluated 2020-07-06.

Conditions:
Hereditary nonpolyposis colorectal neoplasms. Identifiers: MedGen C0009405, MeSH D003123.
Hereditary cancer-predisposing syndrome. Also called: Hereditary Cancer Syndrome; Hereditary neoplastic syndrome; Neoplastic Syndromes, Hereditary; Tumor predisposition. Identifiers: Orphanet 140162, MedGen C0027672, MeSH D009386, MONDO:0015356.

Submissions (2):

Ambry Genetics
Classification: Pathogenic for Hereditary cancer-predisposing syndrome. Last evaluated: 2020-07-06. Review status: criteria provided, single submitter. Criteria: Ambry Variant Classification Scheme 2023. Collection method: clinical testing. Allele origin: germline.
Comment: The c.1923delA pathogenic mutation, located in coding exon 4 of the MSH6 gene, results from a deletion of one nucleotide at nucleotide position 1923, causing a translational frameshift with a predicted alternate stop codon (p.E641Dfs*7). This alteration is expected to result in loss of function by premature protein truncation or nonsense-mediated mRNA decay. As such, this alteration is interpreted as a disease-causing mutation.

Labcorp Genetics (formerly Invitae), Labcorp
Classification: Pathogenic for Hereditary nonpolyposis colorectal neoplasms. Last evaluated: 2018-10-09. Review status: criteria provided, single submitter. Criteria: Invitae Variant Classification Sherloc (09022015). Collection method: clinical testing. Allele origin: germline.
Comment: This variant is not present in population databases (ExAC no frequency). This sequence change creates a premature translational stop signal (p.Glu641Aspfs*7) in the MSH6 gene. It is expected to result in an absent or disrupted protein product. This variant has not been reported in the literature in individuals with MSH6-related disease. ClinVar contains an entry for this variant (Variation ID: 455164). For these reasons, this variant has been classified as Pathogenic. Loss-of-function variants in MSH6 are known to be pathogenic (PMID: 18269114, 24362816).

Literature cited by the submitters: PubMed 22081473 (cited by Ambry Genetics); PubMed 18269114 (cited by Labcorp Genetics (formerly Invitae), Labcorp); PubMed 24362816 (cited by Labcorp Genetics (formerly Invitae), Labcorp).

NM_000179.3(MSH6):c.1923del (p.Glu641fs)

Gene: MSH6 (mutS homolog 6; plus strand). Cytogenetic location: 2p16.3.
Variant type: Deletion.
Coding change: c.1923del on transcript NM_000179.3 (MANE Select); coding-DNA position 1923, one base deleted (A; older notation c.1923delA).
Protein change: p.Glu641fs; shifts the reading frame from glutamic acid 641.
Molecular consequence: frameshift variant.
Genome position (GRCh38, 1-based): chr2:47,799,906, A deleted; the last of 2 consecutive A bases (chr2:47,799,905-47,799,906); deleting either gives the same sequence. VCF-style (leftmost placement, unchanged base first): chr2-47799904-GA-G. GRCh37 (hg19) VCF-style: chr2-48027043-GA-G.
Other names: c.1533del, p.Glu511fs (NM_001281492.2); c.1017del, p.Glu339fs (NM_001281493.2, NM_001281494.2); c.1923delA (NM_000179.2); short protein forms E511fs, E339fs, E641fs.
Identifiers: ClinVar variation 455164 (VCV000455164.10), dbSNP rs869040863, ClinGen allele CA46709932.